The following is an entry in ClinVar:

NM_153240.5(NPHP3):c.1514G>A (p.Gly505Glu)

Genes: NPHP3 (nephrocystin 3; minus strand), NPHP3-ACAD11 (NPHP3-ACAD11 readthrough (NMD candidate); minus strand). Cytogenetic location: 3q22.1.
Variant type: single nucleotide variant.
Coding change: c.1514G>A on transcript NM_153240.5 (MANE Select); coding-DNA position 1514, G replaced by A.
Protein change: p.Gly505Glu; replaces glycine 505 with glutamic acid.
Molecular consequence: missense variant. On other transcripts: non-coding transcript variant (1).
Genome position (GRCh38, 1-based): chr3:132,704,208, C>T on the plus strand (G>A on the coding strand, the complement: NPHP3 is on the minus strand). VCF-style: chr3-132704208-C-T. GRCh37 (hg19) VCF-style: chr3-132423052-C-T.
Other names: short protein forms G505E.
Identifiers: ClinVar variation 1193484 (VCV001193484.10), dbSNP rs368008794, ClinGen allele CA2622288.

ClinVar aggregate classification (germline): Likely benign. Review status: criteria provided, multiple submitters, no conflicts (2 of 4 stars). 3 submissions from 3 submitters: Likely benign (2). 1 of the submissions does not count toward it. Last evaluated 2026-01-20.

Conditions:
Nephronophthisis. Also called: Juvenile Nephronophthisis. Identifiers: Orphanet 655, MedGen C0687120, MONDO:0019005, HP:0000090.
NPHP3-related disorder. Also called: NPHP3-related disorders; NPHP3-related condition. Identifiers: MedGen CN379163.

Allele frequency attached by ClinVar (database versions not stated): TOPMed below 0.00001; gnomAD 0.00001 and 0.00008; gnomAD exomes 0.00011; 1000 Genomes Project 0.00040; 1000 Genomes Project 30x 0.00062.
gnomAD v4.1: 175 of 1,614,128 alleles (0.011%); highest among the groups gnomAD compares: South Asian, 0.17%; 3 homozygotes.

Submissions (3):

Labcorp Genetics (formerly Invitae), Labcorp
Classification: Likely benign for Nephronophthisis. Last evaluated: 2026-01-20. Review status: criteria provided, single submitter. Criteria: Invitae Variant Classification Sherloc (09022015). Collection method: clinical testing. Allele origin: germline.

GeneDx
Classification: Likely benign. Last evaluated: 2021-06-16. Review status: criteria provided, single submitter. Criteria: GeneDx Variant Classification Process June 2021. Collection method: clinical testing. Allele origin: germline. Affected: yes.

PreventionGenetics, part of Exact Sciences
Classification: Likely benign for NPHP3-related condition. Last evaluated: 2022-04-10. Review status: no assertion criteria provided. Collection method: clinical testing. Allele origin: germline. Not counted in ClinVar's aggregate classification.
Comment: This variant is classified as likely benign based on ACMG/AMP sequence variant interpretation guidelines (Richards et al. 2015 PMID: 25741868, with internal and published modifications).